The following is an entry in ClinVar:

NM_000238.4(KCNH2):c.296A>G (p.Tyr99Cys)

Gene: KCNH2 (potassium voltage-gated channel subfamily H member 2; minus strand). Cytogenetic location: 7q36.1.
Variant type: single nucleotide variant.
Coding change: c.296A>G on transcript NM_000238.4 (MANE Select); coding-DNA position 296, A replaced by G.
Protein change: p.Tyr99Cys; replaces tyrosine 99 with cysteine.
Molecular consequence: missense variant.
Genome position (GRCh38, 1-based): chr7:150,974,722, T>C on the plus strand (A>G on the coding strand, the complement: KCNH2 is on the minus strand). VCF-style: chr7-150974722-T-C. GRCh37 (hg19) VCF-style: chr7-150671810-T-C.
Other names: p.Y99C:TAC>TGC; c.119A>G, p.Tyr40Cys (NM_001406755.1); c.296A>G, p.Tyr99Cys (NM_172056.3); short protein forms Y99C, Y40C.
Identifiers: ClinVar variation 200582 (VCV000200582.8), dbSNP rs199472854, ClinGen allele CA007719.
Genomic context (GRCh38, chr7:150,974,722, plus strand): 5'-CCCTCTTGACCCCGCCCCTGGTCGTGGCCCCGCCCCGGCCCGCTCCTACCATCTTTCCGG[T>C]AGAAGGCGATTTCCACTTTGCGCTCCTCGGCGCCCAGCAGTGCCTGCGCGATCTGCGCGG-3'
Protein context (NP_000229.1, residues 89-109): AEERKVEIAF[Tyr99Cys]RKDGSCFLCL

ClinVar aggregate classification (germline): Conflicting classifications of pathogenicity. Review status: criteria provided, conflicting classifications (1 of 4 stars). 3 submissions from 3 submitters: Likely pathogenic (2); Uncertain significance (1). Last evaluated 2024-10-18.

Conditions:
KCNH2-related disorder. Also called: KCNH2-related condition; KCNH2-related disorders.
Cardiovascular phenotype. Identifiers: MedGen CN230736.

Submissions (3):

Blueprint Genetics
Classification: Likely pathogenic for KCNH2-related disorders. Last evaluated: 2024-10-18. Review status: criteria provided, single submitter. Criteria: ACMG Guidelines, 2015. Collection method: clinical testing. Allele origin: germline. Affected: yes. Observed: 2 variant alleles.

Ambry Genetics
Classification: Uncertain significance for Cardiovascular phenotype. Last evaluated: 2023-01-06. Review status: criteria provided, single submitter. Criteria: Ambry Variant Classification Scheme 2023. Collection method: clinical testing. Allele origin: germline.
Comment: The p.Y99C variant (also known as c.296A>G), located in coding exon 2 of the KCNH2 gene, results from an A to G substitution at nucleotide position 296. The tyrosine at codon 99 is replaced by cysteine, an amino acid with highly dissimilar properties. This alteration has been reported in a long QT syndrome cohort; however, clinical details were limited (Walsh R et al. Genet Med, 2021 Jan;23:47-58). This amino acid position is well conserved in available vertebrate species. In addition, this alteration is predicted to be deleterious by in silico analysis. Since supporting evidence is limited at this time, the clinical significance of this alteration remains unclear.

GeneDx
Classification: Likely pathogenic. Last evaluated: 2020-01-21. Review status: criteria provided, single submitter. Criteria: GeneDx Variant Classification Process June 2021. Collection method: clinical testing. Allele origin: germline. Affected: yes.
Comment: Has not been previously published as pathogenic or benign to our knowledge; Not observed in large population cohorts (Lek et al., 2016); In silico analysis, which includes protein predictors and evolutionary conservation, supports a deleterious effect; This variant is associated with the following publications: (PMID: 12402336)

Literature cited by the submitters: PubMed 32893267 (cited by Ambry Genetics).